The following is an entry in ClinVar:

NM_001365536.1(SCN9A):c.5586G>A (p.Gln1862=)

Genes: SCN1A-AS1 (SCN1A and SCN9A antisense RNA 1; plus strand), SCN9A (sodium voltage-gated channel alpha subunit 9; minus strand). Cytogenetic location: 2q24.3.
Variant type: single nucleotide variant.
Coding change: c.5586G>A on transcript NM_001365536.1 (MANE Select); coding-DNA position 5586, G replaced by A.
Protein change: p.Gln1862=; no amino-acid change (glutamine 1862 retained).
Molecular consequence: synonymous variant.
Genome position (GRCh38, 1-based): chr2:166,199,053, C>T on the plus strand (G>A on the coding strand, the complement: SCN9A is on the minus strand). VCF-style: chr2-166199053-C-T. GRCh37 (hg19) VCF-style: chr2-167055563-C-T.
Other names: c.5553G>A, p.Gln1851= (NM_002977.4).
Identifiers: ClinVar variation 668198 (VCV000668198.16), dbSNP rs199572382, ClinGen allele CA1943653.

ClinVar aggregate classification (germline): Conflicting classifications of pathogenicity. Review status: criteria provided, conflicting classifications (1 of 4 stars). 6 submissions from 4 submitters: Uncertain significance (1); Likely benign (5). Last evaluated 2026-02-18.

Conditions:
Neuropathy, hereditary sensory and autonomic, type 2A (HSAN2A). Also called: WNK1-Related HSAN2 (HSAN2A); ACROOSTEOLYSIS, GIACCAI TYPE; ACROOSTEOLYSIS, NEUROGENIC; MORVAN DISEASE; NEUROPATHY, CONGENITAL SENSORY; NEUROPATHY, HEREDITARY SENSORY RADICULAR, AUTOSOMAL RECESSIVE. Identifiers: Orphanet 970, MedGen C2752089, MONDO:0024309, OMIM 201300.
Generalized epilepsy with febrile seizures plus, type 7 (GEFSP7). Also called: GEFS+, TYPE 7. Identifiers: Orphanet 36387, MedGen C2751778, MONDO:0013470, OMIM 613863.
SCN9A-related disorder. Also called: SCN9A-related disorders; SCN9A-related condition.
Primary erythromelalgia. Also called: SCN9A Erythromelalgia (SCN9A-EM); primary erythermalgia. Identifiers: Orphanet 306577, Orphanet 90026, MedGen C0014805, MONDO:0007571, OMIM 133020.
Channelopathy-associated congenital insensitivity to pain, autosomal recessive. Also called: ASYMBOLIA FOR PAIN; CONGENITAL ANALGESIA, AUTOSOMAL RECESSIVE; Insensitivity to pain, channelopathy-associated. Identifiers: Orphanet 88642, Orphanet 970, MedGen C1855739, MONDO:0009459, OMIM 243000.
Paroxysmal extreme pain disorder (PEXPD). Also called: SCN9A Paroxysmal Extreme Pain Disorder (SCN9A-PEPD); PAIN, SUBMANDIBULAR, OCULAR, AND RECTAL, WITH FLUSHING; RECTAL PAIN, FAMILIAL. Identifiers: Orphanet 46348, MedGen C1833661, MONDO:0008179, OMIM 167400.

Allele frequency attached by ClinVar (database versions not stated): gnomAD exomes 0.00001 and 0.00002; ExAC 0.00002; TOPMed 0.00002.
gnomAD v4.1: 17 of 1,614,160 alleles (0.0011%); highest among the groups gnomAD compares: Admixed American, 0.0017%; no homozygotes.

Submissions (6):

PreventionGenetics, part of Exact Sciences
Classification: Likely benign for SCN9A-related condition. Last evaluated: 2026-02-18. Review status: criteria provided, single submitter. Criteria: ACMG Guidelines, 2015. Collection method: clinical testing. Allele origin: germline.
Comment: This variant is classified as likely benign based on ACMG/AMP sequence variant interpretation guidelines (Richards et al. 2015 PMID: 25741868, with internal and published modifications).

Labcorp Genetics (formerly Invitae), Labcorp
Classification: Likely benign for Neuropathy, hereditary sensory and autonomic, type 2A; Generalized epilepsy with febrile seizures plus, type 7. Last evaluated: 2025-10-03. Review status: criteria provided, single submitter. Criteria: Invitae Variant Classification Sherloc (09022015). Collection method: clinical testing. Allele origin: germline.

GeneDx
Classification: Likely benign. Last evaluated: 2018-05-21. Review status: criteria provided, single submitter. Criteria: GeneDx Variant Classification (06012015). Collection method: clinical testing. Allele origin: germline. Affected: yes.
Comment: This variant is considered likely benign or benign based on one or more of the following criteria: it is a conservative change, it occurs at a poorly conserved position in the protein, it is predicted to be benign by multiple in silico algorithms, and/or has population frequency not consistent with disease.

Illumina Laboratory Services, Illumina
Classification: Uncertain significance for Channelopathy-associated congenital insensitivity to pain, autosomal recessive. Last evaluated: 2018-01-12. Review status: criteria provided, single submitter. Criteria: ICSL Variant Classification Criteria 13 December 2019. Collection method: clinical testing. Allele origin: germline.

Illumina Laboratory Services, Illumina
Classification: Likely benign for Primary erythromelalgia. Last evaluated: 2018-01-12. Review status: criteria provided, single submitter. Criteria: ICSL Variant Classification Criteria 13 December 2019. Collection method: clinical testing. Allele origin: germline.
Comment: This variant was observed in the ICSL laboratory as part of a predisposition screen in an ostensibly healthy population. It had not been previously curated by ICSL or reported in the Human Gene Mutation Database (HGMD: prior to June 1st, 2018), and was therefore a candidate for classification through an automated scoring system. Utilizing variant allele frequency, disease prevalence and penetrance estimates, and inheritance mode, an automated score was calculated to assess if this variant is too frequent to cause the disease. Based on the score and internal cut-off values, a variant classified as likely benign is not then subjected to further curation. The score for this variant resulted in a classification of likely benign for this disease.

Illumina Laboratory Services, Illumina
Classification: Likely benign for Paroxysmal extreme pain disorder. Last evaluated: 2018-01-12. Review status: criteria provided, single submitter. Criteria: ICSL Variant Classification Criteria 13 December 2019. Collection method: clinical testing. Allele origin: germline.
Comment: the same text as in the submission from Illumina Laboratory Services, Illumina above.